The following is an entry in ClinVar:

NM_001134363.3(RBM20):c.327T>G (p.Ala109=)

Gene: RBM20 (RNA binding motif protein 20; plus strand). Cytogenetic location: 10q25.2.
Variant type: single nucleotide variant.
Coding change: c.327T>G on transcript NM_001134363.3 (MANE Select); coding-DNA position 327, T replaced by G.
Protein change: p.Ala109=; no amino-acid change (alanine 109 retained).
Molecular consequence: synonymous variant.
Genome position (GRCh38, 1-based): chr10:110,780,936, T>G. VCF-style: chr10-110780936-T-G. GRCh37 (hg19) VCF-style: chr10-112540694-T-G.
Identifiers: ClinVar variation 1118361 (VCV001118361.11), dbSNP rs893150326, ClinGen allele CA213234556.

ClinVar aggregate classification (germline): Likely benign. Review status: criteria provided, multiple submitters, no conflicts (2 of 4 stars). 2 submissions from 2 submitters: Likely benign (2). Last evaluated 2026-04-01.

Conditions:
Dilated cardiomyopathy 1DD (CMD1DD). Identifiers: Orphanet 154, MedGen C2750995, MONDO:0013168, OMIM 613172.

Allele frequency attached by ClinVar (database versions not stated): TOPMed 0.00004.

Submissions (2):

CeGaT Center for Human Genetics Tuebingen
Classification: Likely benign. Last evaluated: 2026-04-01. Review status: criteria provided, single submitter. Criteria: CeGaT Center For Human Genetics Tuebingen Variant Classification Criteria Version 2. Collection method: clinical testing. Allele origin: germline. Affected: yes. Observed: 1 variant allele.
Comment: RBM20: PM2:Supporting, BP4, BP7

Labcorp Genetics (formerly Invitae), Labcorp
Classification: Likely benign for Dilated cardiomyopathy 1DD. Last evaluated: 2025-11-17. Review status: criteria provided, single submitter. Criteria: Invitae Variant Classification Sherloc (09022015). Collection method: clinical testing. Allele origin: germline.